The following is an entry in ClinVar:

NM_017946.4(FKBP14):c.109A>C (p.Ile37Leu)

Genes: FKBP14-AS1 (FKBP14 antisense RNA 1; plus strand), FKBP14 (FKBP prolyl isomerase 14; minus strand). Cytogenetic location: 7p14.3.
Variant type: single nucleotide variant.
Coding change: c.109A>C on transcript NM_017946.4 (MANE Select); coding-DNA position 109, A replaced by C.
Protein change: p.Ile37Leu; replaces isoleucine 37 with leucine.
Molecular consequence: missense variant. On other transcripts: non-coding transcript variant (2).
Genome position (GRCh38, 1-based): chr7:30,026,400, T>G on the plus strand (A>C on the coding strand, the complement: FKBP14 is on the minus strand). VCF-style: chr7-30026400-T-G. GRCh37 (hg19) VCF-style: chr7-30066016-T-G.
Other names: c.109A>C (NM_017946.2); short protein forms I37L.
Identifiers: ClinVar variation 1314931 (VCV001314931.5), dbSNP rs1790174088, ClinGen allele CA367117886.
Genomic context (GRCh38, chr7:30,026,400, plus strand): 5'-CTAAGTAGCCTTCATAGTGGACCAACATCAAATCCCCTCCTTTGGTCTTGCGATGGCAGA[T>G]GAATGGCTTCTGGAGAACTTCAATTTTCACTTCTGGTTCAGGGATCAAAGCCCCAATCAA-3'
Protein context (NP_060416.1, residues 27-47): VKIEVLQKPF[Ile37Leu]CHRKTKGGDL

ClinVar aggregate classification (germline): Uncertain significance. Review status: criteria provided, multiple submitters, no conflicts (2 of 4 stars). 3 submissions from 3 submitters: Uncertain significance (3). Last evaluated 2025-03-25.

Conditions:
Cardiovascular phenotype. Identifiers: MedGen CN230736.
Ehlers-Danlos syndrome, kyphoscoliotic type, 2. Also called: Ehlers-Danlos syndrome, kyphoscoliotic and deafness type; FKBP14-Kyphoscoliotic Ehlers-Danlos Syndrome; Ehlers-Danlos syndrome with progressive kyphoscoliosis, myopathy, and hearing loss. Identifiers: Orphanet 300179, MedGen C3281160, MONDO:0013800, OMIM 614557.

Allele frequency attached by ClinVar (database versions not stated): gnomAD exomes below 0.00001.
gnomAD v4.1: 2 of 1,614,202 alleles (0.00012%); highest among the groups gnomAD compares: Non-Finnish European, 0.00017%; no homozygotes.

Submissions (3):

Ambry Genetics
Classification: Uncertain significance for Cardiovascular phenotype. Last evaluated: 2025-03-25. Review status: criteria provided, single submitter. Criteria: Ambry Variant Classification Scheme 2023. Collection method: clinical testing. Allele origin: germline.
Comment: The p.I37L variant (also known as c.109A>C), located in coding exon 1 of the FKBP14 gene, results from an A to C substitution at nucleotide position 109. The isoleucine at codon 37 is replaced by leucine, an amino acid with highly similar properties. This amino acid position is conserved. In addition, this alteration is predicted to be tolerated by in silico analysis. Based on the available evidence, the clinical significance of this variant remains unclear.

Labcorp Genetics (formerly Invitae), Labcorp
Classification: Uncertain significance for Ehlers-Danlos syndrome, kyphoscoliotic type, 2. Last evaluated: 2024-06-08. Review status: criteria provided, single submitter. Criteria: Invitae Variant Classification Sherloc (09022015). Collection method: clinical testing. Allele origin: germline.
Comment: This sequence change replaces isoleucine, which is neutral and non-polar, with leucine, which is neutral and non-polar, at codon 37 of the FKBP14 protein (p.Ile37Leu). This variant is not present in population databases (gnomAD no frequency). This variant has not been reported in the literature in individuals affected with FKBP14-related conditions. ClinVar contains an entry for this variant (Variation ID: 1314931). An algorithm developed to predict the effect of missense changes on protein structure and function (PolyPhen-2) suggests that this variant is likely to be tolerated. In summary, the available evidence is currently insufficient to determine the role of this variant in disease. Therefore, it has been classified as a Variant of Uncertain Significance.

GeneDx
Classification: Uncertain significance. Last evaluated: 2020-01-23. Review status: criteria provided, single submitter. Criteria: GeneDx Variant Classification Process June 2021. Collection method: clinical testing. Allele origin: germline. Affected: yes.
Comment: Not observed at a significant frequency in large population cohorts (Lek et al., 2016); In silico analysis, which includes protein predictors and evolutionary conservation, supports that this variant does not alter protein structure/function; Has not been previously published as pathogenic or benign to our knowledge